The following is an entry in ClinVar:

NM_001184880.2(PCDH19):c.976_981delinsTTCCC (p.Ile326fs)

Gene: PCDH19 (protocadherin 19; minus strand). Cytogenetic location: Xq22.1.
Variant type: Indel.
Coding change: c.976_981delinsTTCCC on transcript NM_001184880.2 (MANE Select); coding-DNA positions 976 to 981, ATCCCG replaced by TTCCC.
Protein change: p.Ile326fs; shifts the reading frame from isoleucine 326.
Molecular consequence: frameshift variant.
Genome position (GRCh38, 1-based): chrX:100,407,617-100,407,622, CGGGAT replaced by GGGAA on the plus strand (ATCCCG replaced by TTCCC on the coding strand, the reverse complement: PCDH19 is on the minus strand). VCF-style: chrX-100407617-CGGGAT-GGGAA. GRCh37 (hg19) VCF-style: chrX-99662615-CGGGAT-GGGAA.
Other names: c.976_981delinsTTCCC, p.Ile326fs (NM_001105243.2, NM_020766.3); short protein forms I326fs.
Identifiers: ClinVar variation 429648 (VCV000429648.1), dbSNP rs1131691509, ClinGen allele CA645369812.

ClinVar aggregate classification (germline): Pathogenic (1 of 4 stars; one submission).

Submission:

GeneDx
Classification: Pathogenic. Last evaluated: 2017-07-03. Review status: criteria provided, single submitter. Criteria: GeneDx Variant Classification (06012015). Collection method: clinical testing. Allele origin: germline. Affected: yes.
Comment: The c.976_981delATCCCGinsTTCCC pathogenic variant causes a frameshift starting with codon Isoleucine 326, changes this amino acid to a Phenylalanine residue and creates a premature Stop codon at position 42 of the new reading frame, denoted p.Ile326PhefsX42. This pathogenic variant is predicted to cause loss of normal protein function either through protein truncation or nonsense-mediated mRNA decay. The c.976_981delATCCCGinsTTCCC variant is not observed in large population cohorts (Lek et al., 2016; 1000 Genomes Consortium et al., 2015; Exome Variant Server).